The following is an entry in ClinVar:

NM_000268.4(NF2):c.798_799del (p.Tyr266_Ser267delinsTer)

Gene: NF2 (NF2, moesin-ezrin-radixin like (MERLIN) tumor suppressor; plus strand). Cytogenetic location: 22q12.2.
Variant type: Deletion.
Coding change: c.798_799del on transcript NM_000268.4 (MANE Select); coding-DNA positions 798 to 799, 2 bases deleted (CA; older notation c.798_799delCA).
Protein change: p.Tyr266_Ser267delinsTer.
Molecular consequence: nonsense. On other transcripts: non-coding transcript variant (1), intron variant (4).
Genome position (GRCh38, 1-based): chr22:29,661,327-29,661,328, CA deleted; deleting any 2 consecutive bases within chr22:29,661,326-29,661,328 gives the same sequence; the c. name uses the placement nearest the transcript's 3' end. VCF-style (leftmost placement, unchanged base first): chr22-29661325-TAC-T. GRCh37 (hg19) VCF-style: chr22-30057314-TAC-T.
Other names: c.684_685del, p.Tyr228_Ser229delinsTer (NM_001407053.1, NM_001407056.1); c.675_676del, p.Tyr225_Ser226delinsTer (NM_001407054.1, NM_001407058.1, NM_181829.3); c.672_673del, p.Tyr224_Ser225delinsTer (NM_001407055.1, NM_181828.3); c.798_799del, p.Tyr266_Ser267delinsTer (NM_001407060.1, NM_001407066.1, NM_016418.5 and 2 more transcripts); c.549_550del, p.Tyr183_Ser184delinsTer (NM_001407063.1, NM_001407064.1, NM_181830.3 and 1 more transcripts); c.264_265del, p.Tyr88_Ser89delinsTer (NM_001407065.1); c.567_568del, p.Tyr189_Ser190delinsTer (NM_001407067.1); c.675+3063_675+3064del (NM_001407059.1, NM_001407057.1); and 2 more.
Identifiers: ClinVar variation 3381838 (VCV003381838.2).

ClinVar aggregate classification (germline): Likely pathogenic (1 of 4 stars; one submission).

Conditions:
Neurofibromatosis, type 2 (SWNV). Also called: NF2-Related Schwannomatosis; BILATERAL ACOUSTIC NEUROFIBROMATOSIS; SCHWANNOMATOSIS, VESTIBULAR. Identifiers: Orphanet 637, MedGen C0027832, MONDO:0007039, OMIM 101000. Disease mechanism: loss of function.

Submission:

Juno Genomics, Hangzhou Juno Genomics, Inc
Classification: Likely pathogenic for Neurofibromatosis, type 2. Review status: criteria provided, single submitter. Criteria: ACMG Guidelines, 2015. Collection method: clinical testing. Allele origin: germline. Affected: yes.
Comment: Absent from controls (or at extremely low frequency if recessive) in Genome Aggregation Database, Exome Sequencing Project, 1000 Genomes Project, or Exome Aggregation Consortium.;Null variant in a gene where loss of function (LOF) is a known mechanism of disease.